The following is an entry in ClinVar:

NM_153741.2(DPM3):c.244C>T (p.Arg82Ter)

Gene: DPM3 (dolichyl-phosphate mannosyltransferase subunit 3, regulatory; minus strand). Cytogenetic location: 1q22.
Variant type: single nucleotide variant.
Coding change: c.244C>T on transcript NM_153741.2 (MANE Select); coding-DNA position 244, C replaced by T.
Protein change: p.Arg82Ter; replaces arginine 82 with a stop codon.
Molecular consequence: nonsense.
Genome position (GRCh38, 1-based): chr1:155,139,997, G>A on the plus strand (C>T on the coding strand, the complement: DPM3 is on the minus strand). VCF-style: chr1-155139997-G-A. GRCh37 (hg19) VCF-style: chr1-155112473-G-A.
Other names: c.334C>T, p.Arg112Ter (NM_018973.4); short protein forms R82*, R112*.
Identifiers: ClinVar variation 1446016 (VCV001446016.8), dbSNP rs749000879, ClinGen allele CA342662576.
Genomic context (GRCh38, chr1:155,139,997, plus strand): 5'-TCCGCACAGGAATGGGGTTAGGCTGTCAGAAGCGCAGCCCCCTGCGGGCTAAGTCGGCTC[G>A]GGCCTCCTGTATCTGGCTCTGCAGCTCGCGTGCGGCGTCCTCGCAGTCATGAAAAGTGGC-3'

ClinVar aggregate classification (germline): Pathogenic (1 of 4 stars; one submission).

Conditions:
DPM3-congenital disorder of glycosylation (MDDGC15). Also called: CDG Io; CDG1(DPM3); MUSCULAR DYSTROPHY-DYSTROGLYCANOPATHY (LIMB-GIRDLE), TYPE C, 15; DPM3-CDG. Identifiers: Orphanet 263494, MedGen C2752007, MONDO:0013049, OMIM 612937.

Allele frequency attached by ClinVar (database versions not stated): gnomAD exomes below 0.00001.

Submission:

Labcorp Genetics (formerly Invitae), Labcorp
Classification: Pathogenic for DPM3-congenital disorder of glycosylation. Last evaluated: 2021-06-12. Review status: criteria provided, single submitter. Criteria: Invitae Variant Classification Sherloc (09022015). Collection method: clinical testing. Allele origin: germline.
Comment: For these reasons, this variant has been classified as Pathogenic. This variant disrupts the C-terminus of the DPM3 protein. Other variant(s) that disrupt this region (p.Leu85*) have been determined to be pathogenic (PMID: 31469168). This suggests that variants that disrupt this region of the protein are likely to be causative of disease. This sequence change creates a premature translational stop signal (p.Arg82*) in the DPM3 gene. While this is not anticipated to result in nonsense mediated decay, it is expected to disrupt the last 11 amino acid(s) of the DPM3 protein. This variant is not present in population databases (ExAC no frequency). This variant has not been reported in the literature in individuals with DPM3-related conditions.

Literature cited by the submitters: PubMed 31469168.